The following is an entry in ClinVar:

NM_014633.5(CTR9):c.1194G>A (p.Lys398=)

Genes: CTR9 (CTR9 component of Paf1/RNA polymerase II complex; plus strand), LOC126861140 (CDK7 strongly-dependent group 2 enhancer GRCh37_chr11:10785333-10786532; plus strand). Cytogenetic location: 11p15.4.
Variant type: single nucleotide variant.
Coding change: c.1194G>A on transcript NM_014633.5 (MANE Select); coding-DNA position 1194, G replaced by A.
Protein change: p.Lys398=; no amino-acid change (lysine 398 retained).
Molecular consequence: synonymous variant.
Genome position (GRCh38, 1-based): chr11:10,763,879, G>A. VCF-style: chr11-10763879-G-A. GRCh37 (hg19) VCF-style: chr11-10785426-G-A.
Other names: c.1194G>A, p.Lys398= (NM_001346279.2).
Identifiers: ClinVar variation 3899400 (VCV003899400.2).

ClinVar aggregate classification (germline): Uncertain significance. Review status: criteria provided, multiple submitters, no conflicts (2 of 4 stars). 2 submissions from 2 submitters: Uncertain significance (2). Last evaluated 2025-10-02.

Conditions:
CTR9-related disorder. Also called: CTR9-related condition.

Submissions (2):

PreventionGenetics, part of Exact Sciences
Classification: Uncertain significance for CTR9-related condition. Last evaluated: 2025-10-02. Review status: criteria provided, single submitter. Criteria: ACMG Guidelines, 2015. Collection method: clinical testing. Allele origin: germline.
Comment: The CTR9 c.1194G>A variant is not predicted to result in an amino acid change (p.=). This variant alters the last base of the exon and is predicted to alter splicing based on available splicing prediction programs (SpliceAI, Jaganathan et al. 2019. PubMed ID: 30661751). To our knowledge, this variant has not been reported in the literature or in a large population database (gnomAD), indicating this variant is rare. This variant is documented as a variant of uncertain significance in the ClinVar database, and the reporting lab comments that it was a de novo finding in an affected individual (Variation ID: 3899400). At this time, the clinical significance of this variant is uncertain due to the absence of conclusive functional and genetic evidence.

GeneDx
Classification: Uncertain significance. Last evaluated: 2024-11-18. Review status: criteria provided, single submitter. Criteria: GeneDx Variant Classification Process June 2021. Collection method: clinical testing. Allele origin: germline. Affected: yes.
Comment: Not observed at significant frequency in large population cohorts (gnomAD); In silico analysis is inconclusive as to whether the variant alters gene splicing. In the absence of RNA/functional studies, the actual effect of this sequence change is unknown.; Has not been previously published as pathogenic or benign to our knowledge